The following is an entry in ClinVar:

NM_006227.4(PLTP):c.1218+5G>T

Gene: PLTP (phospholipid transfer protein; minus strand). Cytogenetic location: 20q13.12.
Variant type: single nucleotide variant.
Coding change: c.1218+5G>T on transcript NM_006227.4 (MANE Select); 5 bases into the intron after coding-DNA position 1218, G replaced by T.
Molecular consequence: intron variant.
Genome position (GRCh38, 1-based): chr20:45,899,831, C>A on the plus strand (G>T on the coding strand, the complement: PLTP is on the minus strand). VCF-style: chr20-45899831-C-A. GRCh37 (hg19) VCF-style: chr20-44528470-C-A.
Other names: c.954+5G>T (NM_001242921.1); c.933+5G>T (NM_001242920.2); c.1062+5G>T (NM_182676.3).
Identifiers: ClinVar variation 2747807 (VCV002747807.3), dbSNP rs2515455410, ClinGen allele CA2697547407.
Genomic context (GRCh38, chr20:45,899,831, plus strand): 5'-GGGGGGGATGGTGAGGGTCAGGATCTCACGAACCCAGCCCAGCCCACCCACCCTTCCCCA[C>A]TCACAGCCAGCGACTCCAGTGCAGAATGGTTGGAATAGATTCGGAACCTGCGGGAAAGAA-3'

ClinVar aggregate classification (germline): Uncertain significance (1 of 4 stars; one submission).

Submission:

Labcorp Genetics (formerly Invitae), Labcorp
Classification: Uncertain significance. Last evaluated: 2023-07-28. Review status: criteria provided, single submitter. Criteria: Invitae Variant Classification Sherloc (09022015). Collection method: clinical testing. Allele origin: germline.
Comment: In summary, the available evidence is currently insufficient to determine the role of this variant in disease. Therefore, it has been classified as a Variant of Uncertain Significance. Variants that disrupt the consensus splice site are a relatively common cause of aberrant splicing (PMID: 17576681, 9536098). Algorithms developed to predict the effect of sequence changes on RNA splicing suggest that this variant may disrupt the consensus splice site. This variant has not been reported in the literature in individuals affected with PLTP-related conditions. This variant is not present in population databases (gnomAD no frequency). This sequence change falls in intron 13 of the PLTP gene. It does not directly change the encoded amino acid sequence of the PLTP protein. It affects a nucleotide within the consensus splice site.

Literature cited by the submitters: PubMed 17576681; PubMed 9536098.